The following is an entry in ClinVar:

ClinVar aggregate classification (germline): Uncertain significance (1 of 4 stars; one submission).

Allele frequency attached by ClinVar (database versions not stated): ExAC 0.00001; gnomAD 0.00001; gnomAD exomes 0.00001 and 0.00002; TOPMed 0.00001.
gnomAD v4.1: 11 of 1,517,222 alleles (0.00073%); highest among the groups gnomAD compares: Middle Eastern, 0.019%; no homozygotes.

Submission:

Labcorp Genetics (formerly Invitae), Labcorp
Classification: Uncertain significance. Last evaluated: 2023-10-13. Review status: criteria provided, single submitter. Criteria: Invitae Variant Classification Sherloc (09022015). Collection method: clinical testing. Allele origin: germline.
Comment: This sequence change falls in intron 20 of the ASPM gene. It does not directly change the encoded amino acid sequence of the ASPM protein. It affects a nucleotide within the consensus splice site. This variant is present in population databases (rs762302327, gnomAD 0.02%). This variant has not been reported in the literature in individuals affected with ASPM-related conditions. ClinVar contains an entry for this variant (Variation ID: 1423969). Variants that disrupt the consensus splice site are a relatively common cause of aberrant splicing (PMID: 17576681, 9536098). Algorithms developed to predict the effect of sequence changes on RNA splicing suggest that this variant is not likely to affect RNA splicing. In summary, the available evidence is currently insufficient to determine the role of this variant in disease. Therefore, it has been classified as a Variant of Uncertain Significance.

Literature cited by the submitters: PubMed 17576681; PubMed 9536098.

NM_018136.5(ASPM):c.9084+4G>A

Gene: ASPM (assembly factor for spindle microtubules; minus strand). Cytogenetic location: 1q31.3.
Variant type: single nucleotide variant.
Coding change: c.9084+4G>A on transcript NM_018136.5 (MANE Select); 4 bases into the intron after coding-DNA position 9084, G replaced by A.
Molecular consequence: intron variant.
Genome position (GRCh38, 1-based): chr1:197,094,080, C>T on the plus strand (G>A on the coding strand, the complement: ASPM is on the minus strand). VCF-style: chr1-197094080-C-T. GRCh37 (hg19) VCF-style: chr1-197063210-C-T.
Other names: c.4329+4G>A (NM_001206846.2).
Identifiers: ClinVar variation 1423969 (VCV001423969.4), dbSNP rs762302327, ClinGen allele CA1309059.